The following is an entry in ClinVar:

ClinVar aggregate classification (germline): Pathogenic (1 of 4 stars; one submission).

Conditions:
PURA-related severe neonatal hypotonia-seizures-encephalopathy syndrome (NEDRIHF). Also called: NEURODEVELOPMENTAL DISORDER WITH NEONATAL RESPIRATORY INSUFFICIENCY, HYPOTONIA, AND FEEDING DIFFICULTIES; PURA-Related Neurodevelopmental Disorders. Identifiers: Orphanet 438213, Orphanet 438216, MedGen C4015357, MONDO:1060108, OMIM 616158, MONDO:0018580.

Submission:

Labcorp Genetics (formerly Invitae), Labcorp
Classification: Pathogenic for PURA-related severe neonatal hypotonia-seizures-encephalopathy syndrome. Last evaluated: 2022-08-15. Review status: criteria provided, single submitter. Criteria: Invitae Variant Classification Sherloc (09022015). Collection method: clinical testing. Allele origin: germline.
Comment: For these reasons, this variant has been classified as Pathogenic. This premature translational stop signal has been observed in individual(s) with clinical features of PURA syndrome (Invitae). In at least one individual the variant was observed to be de novo. This variant is not present in population databases (gnomAD no frequency). This sequence change creates a premature translational stop signal (p.Thr310Asnfs*7) in the PURA gene. While this is not anticipated to result in nonsense mediated decay, it is expected to disrupt the last 13 amino acid(s) of the PURA protein.

NM_005859.5(PURA):c.928dup (p.Thr310fs)

Gene: PURA (purine rich element binding protein A; plus strand). Cytogenetic location: 5q31.3.
Variant type: Duplication.
Coding change: c.928dup on transcript NM_005859.5 (MANE Select); coding-DNA position 928, one base duplicated (A; older notation c.928dupA).
Protein change: p.Thr310fs; shifts the reading frame from threonine 310.
Molecular consequence: frameshift variant.
Genome position (GRCh38, 1-based): chr5:140,115,109, A duplicated. VCF-style (leftmost placement, unchanged base first): chr5-140115108-C-CA. GRCh37 (hg19) VCF-style: chr5-139494693-C-CA.
Other names: short protein forms T310fs.
Identifiers: ClinVar variation 2077869 (VCV002077869.4), dbSNP rs2479506426, ClinGen allele CA2580072980.